The following is an entry in ClinVar:

NM_080605.4(B3GALT6):c.513_520del (p.Glu174fs)

Gene: B3GALT6 (beta-1,3-galactosyltransferase 6; plus strand). Cytogenetic location: 1p36.33.
Variant type: Deletion.
Coding change: c.513_520del on transcript NM_080605.4 (MANE Select); coding-DNA positions 513 to 520, 8 bases deleted (CGCCCGCG; older notation c.513_520delCGCCCGCG).
Protein change: p.Glu174fs; shifts the reading frame from glutamic acid 174.
Molecular consequence: frameshift variant.
Genome position (GRCh38, 1-based): chr1:1,232,791-1,232,798, CGCCCGCG deleted; deleting any 8 consecutive bases within chr1:1,232,788-1,232,798 gives the same sequence; the c. name uses the placement nearest the transcript's 3' end. VCF-style (leftmost placement, unchanged base first): chr1-1232787-TGCGCGCCC-T. GRCh37 (hg19) VCF-style: chr1-1168167-TGCGCGCCC-T.
Other names: c.513_520del8 (NM_080605.3); c.513_520delCGCCCGCG (NM_080605.4); short protein forms E174fs.
Identifiers: ClinVar variation 1498946 (VCV001498946.14), dbSNP rs778123798, ClinGen allele CA513365.

ClinVar aggregate classification (germline): Pathogenic/Likely pathogenic. Review status: criteria provided, multiple submitters, no conflicts (2 of 4 stars). 5 submissions from 5 submitters: Pathogenic (2); Likely pathogenic (2). 1 of the submissions does not count toward it. Last evaluated 2026-01-30.

Conditions:
Spondyloepimetaphyseal dysplasia with joint laxity (SEMDJL). Identifiers: MedGen C0432243, MONDO:0019675.
Ehlers-Danlos syndrome, spondylodysplastic type, 2 (EDSSPD2). Also called: Ehlers-Danlos syndrome, progeroid type, 2. Identifiers: Orphanet 536467, Orphanet 75496, MedGen C3809210, MONDO:0014139, OMIM 615349.
B3GALT6-related disorder. Also called: B3GALT6-related condition.

Submissions (5):

GeneDx
Classification: Likely pathogenic. Last evaluated: 2026-01-30. Review status: criteria provided, single submitter. Criteria: GeneDx Variant Classification Process June 2021. Collection method: clinical testing. Allele origin: germline.
Comment: Published functional studies suggest a damaging effect including B3GALT6 protein reduction and impaired glycanation of decorin, leading to deficits in glycosaminoglycan synthesis (PMID: 29931299); Frameshift variant in the C-terminus predicted to result in protein truncation, as the last 156 amino acids are lost and replaced with 265 incorrect amino acids; Not observed at a significant frequency in large population cohorts (gnomAD); This variant is associated with the following publications: (PMID: 35734427, 29931299, 32381727)

Labcorp Genetics (formerly Invitae), Labcorp
Classification: Pathogenic for Ehlers-Danlos syndrome, spondylodysplastic type, 2; Spondyloepimetaphyseal dysplasia with joint laxity. Last evaluated: 2025-08-14. Review status: criteria provided, single submitter. Criteria: Invitae Variant Classification Sherloc (09022015). Collection method: clinical testing. Allele origin: germline.
Comment: This sequence change creates a premature translational stop signal (p.Glu174Alafs*266) in the B3GALT6 gene. While this is not anticipated to result in nonsense mediated decay, it is expected to disrupt the last 156 amino acid(s) of the B3GALT6 protein. This variant is present in population databases (rs778123798, gnomAD 0.02%). This premature translational stop signal has been observed in individuals with clinical features of Ehlers-Danlos syndrome and/or congenital scoliosis (PMID: 29931299, 32381727, 35734427). It has also been observed to segregate with disease in related individuals. This variant is also known as c.510_517del:p.L170fs*268. ClinVar contains an entry for this variant (Variation ID: 1498946). Studies have shown that this premature translational stop signal alters B3GALT6 gene expression (PMID: 35734427). For these reasons, this variant has been classified as Pathogenic.

Women's Health and Genetics/Laboratory Corporation of America, LabCorp
Classification: Pathogenic for Ehlers-Danlos syndrome, spondylodysplastic type, 2. Last evaluated: 2025-06-05. Review status: criteria provided, single submitter. Criteria: LabCorp Variant Classification Summary - May 2015. Collection method: clinical testing. Allele origin: germline.
Comment: Variant summary: B3GALT6 c.513_520delCGCCCGCG (p.Glu174AlafsX266) causes a frameshift which results in an extension of the protein. The variant allele was found at a frequency of 3.5e-05 in 84692 control chromosomes (gnomAD). c.513_520delCGCCCGCG has been observed in multiple individuals affected with Ehlers-Danlos syndrome, spondylodysplastic type, 2, including compound heterozygous individuals with a severe phenotype and heterozygous individuals with a moderate phenotype (e.g., Van Damme_2018, Shen_2022). These data indicate that the variant is very likely to be associated with disease. At least one publication reports experimental evidence evaluating an impact on protein function, showing that the variant results in a higher molecular weight protein and also lower protein expression (Shen_2022). The following publications have been ascertained in the context of this evaluation (PMID: 29931299, 35734427). ClinVar contains an entry for this variant (Variation ID: 1498946). Based on the evidence outlined above, the variant was classified as pathogenic.

Juno Genomics, Hangzhou Juno Genomics, Inc
Classification: Likely pathogenic for Ehlers-Danlos syndrome, spondylodysplastic type, 2. Review status: criteria provided, single submitter. Criteria: ACMG Guidelines, 2015. Collection method: clinical testing. Allele origin: germline. Affected: yes.
Comment: Absent from controls (or at extremely low frequency if recessive) in Genome Aggregation Database, Exome Sequencing Project, 1000 Genomes Project, or Exome Aggregation Consortium.;Null variant in a gene where loss of function (LOF) is a known mechanism of disease.;For recessive disorders, detected in trans with a pathogenic variant.

PreventionGenetics, part of Exact Sciences
Classification: Likely pathogenic for B3GALT6-related condition. Last evaluated: 2024-04-02. Review status: no assertion criteria provided. Collection method: clinical testing. Allele origin: germline. Not counted in ClinVar's aggregate classification.
Comment: The B3GALT6 c.513_520del8 variant is predicted to result in a frameshift and premature protein termination (p.Glu174Alafs*266). This variant was reported in an individual with multiple skeletal anomalies and respiratory deficiency, and two pregnancies with severe skeletal dysplasia (Van Damme et al. 2018. PubMed ID: 29931299). It was also reported in the compound heterozygous state in an individual with spondyloepimetaphyseal dysplasia with joint laxity (Zhao et al. 2020. PubMed ID: 32381727). Experimental studies in patient cell lines showed that the frameshift variant actually led to a protein extension containing a series of incorrect amino acids ( (Van Damme et al. 2018. PubMed ID: 29931299). This variant is reported in 0.016% of alleles in individuals of East Asian descent in gnomAD. Frameshift variants in B3GALT6 are expected to be pathogenic. This variant is interpreted as likely pathogenic

Literature cited by the submitters: PubMed 29931299 (cited by Labcorp Genetics (formerly Invitae), Labcorp and Women's Health and Genetics/Laboratory Corporation of America, LabCorp); PubMed 32381727 (cited by Labcorp Genetics (formerly Invitae), Labcorp); PubMed 35734427 (cited by Labcorp Genetics (formerly Invitae), Labcorp and Women's Health and Genetics/Laboratory Corporation of America, LabCorp).